The following is an entry in ClinVar:

NM_004525.3(LRP2):c.9309C>G (p.Asn3103Lys)

Gene: LRP2 (LDL receptor related protein 2; minus strand). Cytogenetic location: 2q31.1.
Variant type: single nucleotide variant.
Coding change: c.9309C>G on transcript NM_004525.3 (MANE Select); coding-DNA position 9309, C replaced by G.
Protein change: p.Asn3103Lys; replaces asparagine 3103 with lysine.
Molecular consequence: missense variant.
Genome position (GRCh38, 1-based): chr2:169,187,989, G>C on the plus strand (C>G on the coding strand, the complement: LRP2 is on the minus strand). VCF-style: chr2-169187989-G-C. GRCh37 (hg19) VCF-style: chr2-170044499-G-C.
Other names: short protein forms N3103K.
Identifiers: ClinVar variation 1473816 (VCV001473816.8), dbSNP rs2105305449, ClinGen allele CA349155941.

ClinVar aggregate classification (germline): Uncertain significance (1 of 4 stars; one submission).

Submission:

Labcorp Genetics (formerly Invitae), Labcorp
Classification: Uncertain significance. Last evaluated: 2020-12-30. Review status: criteria provided, single submitter. Criteria: Invitae Variant Classification Sherloc (09022015). Collection method: clinical testing. Allele origin: germline.
Comment: Advanced modeling of protein sequence and biophysical properties (such as structural, functional, and spatial information, amino acid conservation, physicochemical variation, residue mobility, and thermodynamic stability) performed at Invitae indicates that this missense variant is not expected to disrupt LRP2 protein function. In summary, the available evidence is currently insufficient to determine the role of this variant in disease. Therefore, it has been classified as a Variant of Uncertain Significance. This variant has not been reported in the literature in individuals with LRP2-related conditions. This variant is not present in population databases (ExAC no frequency). This sequence change replaces asparagine with lysine at codon 3103 of the LRP2 protein (p.Asn3103Lys). The asparagine residue is highly conserved and there is a moderate physicochemical difference between asparagine and lysine.